The following is an entry in ClinVar:

NM_017514.5(PLXNA3):c.2936+7C>T

Gene: PLXNA3 (plexin A3; plus strand). Cytogenetic location: Xq28.
Variant type: single nucleotide variant.
Coding change: c.2936+7C>T on transcript NM_017514.5 (MANE Select); 7 bases into the intron after coding-DNA position 2936, C replaced by T.
Molecular consequence: intron variant.
Genome position (GRCh38, 1-based): chrX:154,466,519, C>T. VCF-style: chrX-154466519-C-T. GRCh37 (hg19) VCF-style: chrX-153694862-C-T.
Identifiers: ClinVar variation 3358848 (VCV003358848.1).

ClinVar aggregate classification (germline): Likely benign (0 of 4 stars; one submission).

Conditions:
PLXNA3-related disorder. Also called: PLXNA3-related condition.

gnomAD v4.1: 20 of 1,201,477 alleles (0.0017%); highest among the groups gnomAD compares: African/African-American, 0.0035%; no homozygotes.

Submission:

PreventionGenetics, part of Exact Sciences
Classification: Likely benign for PLXNA3-related condition. Last evaluated: 2024-07-15. Review status: no assertion criteria provided. Collection method: clinical testing. Allele origin: germline.
Comment: This variant is classified as likely benign based on ACMG/AMP sequence variant interpretation guidelines (Richards et al. 2015 PMID: 25741868, with internal and published modifications).